The following is an entry in ClinVar:

ClinVar aggregate classification (germline): Uncertain significance (1 of 4 stars; one submission).

Allele frequency attached by ClinVar (database versions not stated): TOPMed below 0.00001.

Submission:

Labcorp Genetics (formerly Invitae), Labcorp
Classification: Uncertain significance. Last evaluated: 2025-01-23. Review status: criteria provided, single submitter. Criteria: Invitae Variant Classification Sherloc (09022015). Collection method: clinical testing. Allele origin: germline.
Comment: This sequence change replaces proline, which is neutral and non-polar, with leucine, which is neutral and non-polar, at codon 279 of the ZNF513 protein (p.Pro279Leu). This variant is not present in population databases (gnomAD no frequency). This variant has not been reported in the literature in individuals affected with ZNF513-related conditions. ClinVar contains an entry for this variant (Variation ID: 2971741). An algorithm developed to predict the effect of missense changes on protein structure and function (PolyPhen-2) suggests that this variant is likely to be disruptive. In summary, the available evidence is currently insufficient to determine the role of this variant in disease. Therefore, it has been classified as a Variant of Uncertain Significance.

NM_144631.6(ZNF513):c.836C>T (p.Pro279Leu)

Gene: ZNF513 (zinc finger protein 513; minus strand). Cytogenetic location: 2p23.3.
Variant type: single nucleotide variant.
Coding change: c.836C>T on transcript NM_144631.6 (MANE Select); coding-DNA position 836, C replaced by T.
Protein change: p.Pro279Leu; replaces proline 279 with leucine.
Molecular consequence: missense variant.
Genome position (GRCh38, 1-based): chr2:27,378,335, G>A on the plus strand (C>T on the coding strand, the complement: ZNF513 is on the minus strand). VCF-style: chr2-27378335-G-A. GRCh37 (hg19) VCF-style: chr2-27601202-G-A.
Other names: c.650C>T, p.Pro217Leu (NM_001201459.2); short protein forms P279L, P217L.
Identifiers: ClinVar variation 2971741 (VCV002971741.3), dbSNP rs1683443949, ClinGen allele CA346217103.